The following is an entry in ClinVar:

NM_182641.4(BPTF):c.4757C>G (p.Thr1586Arg)

Gene: BPTF (bromodomain PHD finger transcription factor; plus strand). Cytogenetic location: 17q24.2.
Variant type: single nucleotide variant.
Coding change: c.4757C>G on transcript NM_182641.4 (MANE Select); coding-DNA position 4757, C replaced by G.
Protein change: p.Thr1586Arg; replaces threonine 1586 with arginine.
Molecular consequence: missense variant.
Genome position (GRCh38, 1-based): chr17:67,912,641, C>G. VCF-style: chr17-67912641-C-G. GRCh37 (hg19) VCF-style: chr17-65908757-C-G.
Other names: c.5135C>G, p.Thr1712Arg (NM_004459.7); short protein forms T1586R, T1712R.
Identifiers: ClinVar variation 3381516 (VCV003381516.1).

ClinVar aggregate classification (germline): Uncertain significance (1 of 4 stars; one submission).

Submission:

GeneDx
Classification: Uncertain significance. Last evaluated: 2024-05-16. Review status: criteria provided, single submitter. Criteria: GeneDx Variant Classification Process June 2021. Collection method: clinical testing. Allele origin: germline. Affected: yes.
Comment: Not observed at significant frequency in large population cohorts (gnomAD); In silico analysis supports that this missense variant has a deleterious effect on protein structure/function; Has not been previously published as pathogenic or benign to our knowledge